The following is an entry in ClinVar:

ClinVar aggregate classification (germline): Likely pathogenic (1 of 4 stars; one submission).

Conditions:
Global developmental delay with speech and behavioral abnormalities. Identifiers: MedGen C5543226, MONDO:0030995, OMIM 619243.

Submission:

3billion
Classification: Likely pathogenic for Global developmental delay with speech and behavioral abnormalities. Last evaluated: 2026-01-21. Review status: criteria provided, single submitter. Criteria: ACMG Guidelines, 2015. Collection method: clinical testing. Allele origin: germline. Affected: yes.
Comment: The variant is not observed in the gnomAD v4.1.0 dataset. Predicted Consequence/Location: Frameshift: predicted to result in a loss or disruption of normal protein function through nonsense-mediated decay (NMD) or protein truncation. Multiple pathogenic variants are reported downstream of the variant. Therefore, this variant is classified as Likely pathogenic according to the recommendation of ACMG/AMP guideline.

NM_001162501.2(TNRC6B):c.1521_1522del (p.Gln508fs)

Gene: TNRC6B (trinucleotide repeat containing adaptor 6B; plus strand). Cytogenetic location: 22q13.1.
Variant type: Microsatellite.
Coding change: c.1521_1522del on transcript NM_001162501.2 (MANE Select); coding-DNA positions 1521 to 1522, 2 bases deleted (TC; older notation c.1521_1522delTC).
Protein change: p.Gln508fs; shifts the reading frame from glutamine 508.
Molecular consequence: frameshift variant. On other transcripts: intron variant (1).
Genome position (GRCh38, 1-based): chr22:40,265,751-40,265,752, TC deleted; deleting any 2 consecutive bases within chr22:40,265,747-40,265,752 gives the same sequence; the c. name uses the placement nearest the transcript's 3' end. VCF-style (leftmost placement, unchanged base first): chr22-40265746-GTC-G. GRCh37 (hg19) VCF-style: chr22-40661750-GTC-G.
Other names: c.1521_1522del, p.Gln508fs (NM_015088.3); c.565+3574TC[2] (NM_001024843.2); short protein forms Q508fs.
Identifiers: ClinVar variation 4855116 (VCV004855116.1).
Genomic context (GRCh38, chr22:40,265,746, plus strand): 5'-TTTGGCCCCCAGGACTCTAATGACAACAAATGGGGTGAAGGGAACAAAATGACATCTGGG[GTC>G]TCTCAGGGAGAATGGAAACAGCCGACTGGGTCTGATGAGTTGAAAATTGGAGAATGGAGT-3'